The following is an entry in ClinVar:

ClinVar aggregate classification (germline): Uncertain significance (1 of 4 stars; one submission).

Conditions:
Rubinstein-Taybi syndrome due to EP300 haploinsufficiency. Also called: EP300-Related Rubinstein-Taybi Syndrome; RUBINSTEIN-TAYBI SYNDROME 2. Identifiers: Orphanet 353284, Orphanet 783, MedGen C3150941, MONDO:0013364, OMIM 613684.

gnomAD v4.1: 3 of 1,613,994 alleles (0.00019%); highest among the groups gnomAD compares: East Asian, 0.0022%; no homozygotes.

Submission:

Labcorp Genetics (formerly Invitae), Labcorp
Classification: Uncertain significance for Rubinstein-Taybi syndrome due to EP300 haploinsufficiency. Last evaluated: 2025-06-11. Review status: criteria provided, single submitter. Criteria: Invitae Variant Classification Sherloc (09022015). Collection method: clinical testing. Allele origin: germline.
Comment: This sequence change replaces serine, which is neutral and polar, with threonine, which is neutral and polar, at codon 815 of the EP300 protein (p.Ser815Thr). This variant is not present in population databases (gnomAD no frequency). This variant has not been reported in the literature in individuals affected with EP300-related conditions. Invitae Evidence Modeling of protein sequence and biophysical properties (such as structural, functional, and spatial information, amino acid conservation, physicochemical variation, residue mobility, and thermodynamic stability) indicates that this missense variant is not expected to disrupt EP300 protein function with a negative predictive value of 80%. In summary, the available evidence is currently insufficient to determine the role of this variant in disease. Therefore, it has been classified as a Variant of Uncertain Significance.

NM_001429.4(EP300):c.2444G>C (p.Ser815Thr)

Gene: EP300 (EP300 lysine acetyltransferase; plus strand). Cytogenetic location: 22q13.2.
Variant type: single nucleotide variant.
Coding change: c.2444G>C on transcript NM_001429.4 (MANE Select); coding-DNA position 2444, G replaced by C.
Protein change: p.Ser815Thr; replaces serine 815 with threonine.
Molecular consequence: missense variant.
Genome position (GRCh38, 1-based): chr22:41,149,825, G>C. VCF-style: chr22-41149825-G-C. GRCh37 (hg19) VCF-style: chr22-41545829-G-C.
Other names: c.2366G>C, p.Ser789Thr (NM_001362843.2); short protein forms S789T, S815T.
Identifiers: ClinVar variation 4745499 (VCV004745499.1).
Genomic context (GRCh38, chr22:41,149,825, plus strand): 5'-AAATGTCTAGTTCTTCCTGCCCGGTGAACTCTCCTATAATGCCTCCAGGGTCTCAGGGGA[G>C]CCACATTCACTGTCCCCAGCTTCCTCAACCAGCTCTTCATCAGAATTCACCCTCGCCTGT-3'
Protein context (NP_001420.2, residues 805-825): SPIMPPGSQG[Ser815Thr]HIHCPQLPQP